The following is an entry in ClinVar:

ClinVar aggregate classification (germline): Likely benign. Review status: criteria provided, multiple submitters, no conflicts (2 of 4 stars). 2 submissions from 2 submitters: Likely benign (2). Last evaluated 2024-12-20.

Conditions:
CYP27A1-related disorder. Also called: CYP27A1-related condition.
Cholestanol storage disease (CTX). Also called: CTX: Cerebrotendinous xanthomatosis; Cerebrotendinous Xanthomatosis; CEREBRAL CHOLESTERINOSIS. Identifiers: Orphanet 909, MedGen C0238052, MONDO:0008948, OMIM 213700.

gnomAD v4.1: 1 of 1,614,218 alleles (0.000062%); highest among the groups gnomAD compares: African/African-American, 0.0013%; no homozygotes.

Submissions (2):

PreventionGenetics, part of Exact Sciences
Classification: Likely benign for CYP27A1-related condition. Last evaluated: 2024-12-20. Review status: criteria provided, single submitter. Criteria: ACMG Guidelines, 2015. Collection method: clinical testing. Allele origin: germline.
Comment: This variant is classified as likely benign based on ACMG/AMP sequence variant interpretation guidelines (Richards et al. 2015 PMID: 25741868, with internal and published modifications).

Labcorp Genetics (formerly Invitae), Labcorp
Classification: Likely benign for Cholestanol storage disease. Last evaluated: 2021-11-05. Review status: criteria provided, single submitter. Criteria: Invitae Variant Classification Sherloc (09022015). Collection method: clinical testing. Allele origin: germline.

NM_000784.4(CYP27A1):c.1184+7C>T

Gene: CYP27A1 (cytochrome P450 family 27 subfamily A member 1; plus strand). Cytogenetic location: 2q35.
Variant type: single nucleotide variant.
Coding change: c.1184+7C>T on transcript NM_000784.4 (MANE Select); 7 bases into the intron after coding-DNA position 1184, C replaced by T.
Molecular consequence: intron variant.
Genome position (GRCh38, 1-based): chr2:218,814,194, C>T. VCF-style: chr2-218814194-C-T. GRCh37 (hg19) VCF-style: chr2-219678917-C-T.
Other names: c.1184+7C>T (NM_000784.3).
Identifiers: ClinVar variation 1572816 (VCV001572816.9), dbSNP rs1575206765, ClinGen allele CA2573135318.